The following is an entry in ClinVar:

ClinVar aggregate classification (germline): Uncertain significance (1 of 4 stars; one submission).

Conditions:
Cardiovascular phenotype. Identifiers: MedGen CN230736.

Allele frequency attached by ClinVar (database versions not stated): gnomAD exomes below 0.00001.
gnomAD v4.1: 2 of 1,614,154 alleles (0.00012%); highest among the groups gnomAD compares: East Asian, 0.0045%; no homozygotes.

Submission:

Ambry Genetics
Classification: Uncertain significance for Cardiovascular phenotype. Last evaluated: 2021-09-16. Review status: criteria provided, single submitter. Criteria: Ambry Variant Classification Scheme 2023. Collection method: clinical testing. Allele origin: germline.
Comment: The p.M398L variant (also known as c.1192A>T), located in coding exon 9 of the SCN10A gene, results from an A to T substitution at nucleotide position 1192. The methionine at codon 398 is replaced by leucine, an amino acid with highly similar properties. This amino acid position is conserved. In addition, this alteration is predicted to be deleterious by in silico analysis. Since supporting evidence is limited at this time, the clinical significance of this alteration remains unclear.

NM_006514.4(SCN10A):c.1192A>T (p.Met398Leu)

Gene: SCN10A (sodium voltage-gated channel alpha subunit 10; minus strand). Cytogenetic location: 3p22.2.
Variant type: single nucleotide variant.
Coding change: c.1192A>T on transcript NM_006514.4 (MANE Select); coding-DNA position 1192, A replaced by T.
Protein change: p.Met398Leu; replaces methionine 398 with leucine.
Molecular consequence: missense variant.
Genome position (GRCh38, 1-based): chr3:38,756,772, T>A on the plus strand (A>T on the coding strand, the complement: SCN10A is on the minus strand). VCF-style: chr3-38756772-T-A. GRCh37 (hg19) VCF-style: chr3-38798263-T-A.
Other names: c.1192A>T, p.Met398Leu (NM_001293306.2, NM_001293307.2); short protein forms M398L.
Identifiers: ClinVar variation 1745215 (VCV001745215.2), dbSNP rs551816827, ClinGen allele CA352169774.